The following is an entry in ClinVar:

ClinVar aggregate classification (germline): Uncertain significance. Review status: criteria provided, multiple submitters, no conflicts (2 of 4 stars). 2 submissions from 2 submitters: Uncertain significance (2). Last evaluated 2025-06-18.

Conditions:
Inborn genetic diseases. Identifiers: MedGen C0950123, MeSH D030342.

Allele frequency attached by ClinVar (database versions not stated): gnomAD 0.00001; TOPMed 0.00001; gnomAD exomes 0.00002 and 0.00007.
gnomAD v4.1: 12 of 1,536,046 alleles (0.00078%); highest among the groups gnomAD compares: Admixed American, 0.023%; no homozygotes.

Submissions (2):

Ambry Genetics
Classification: Uncertain significance for Inborn genetic diseases. Last evaluated: 2025-06-18. Review status: criteria provided, single submitter. Criteria: Ambry Variant Classification Scheme 2023. Collection method: clinical testing. Allele origin: germline.

Labcorp Genetics (formerly Invitae), Labcorp
Classification: Uncertain significance. Last evaluated: 2022-06-28. Review status: criteria provided, single submitter. Criteria: Invitae Variant Classification Sherloc (09022015). Collection method: clinical testing. Allele origin: germline.
Comment: This sequence change replaces serine, which is neutral and polar, with glycine, which is neutral and non-polar, at codon 16 of the MDH2 protein (p.Ser16Gly). This variant is present in population databases (rs781786949, gnomAD 0.04%). This variant has not been reported in the literature in individuals affected with MDH2-related conditions. Algorithms developed to predict the effect of missense changes on protein structure and function output the following: SIFT: "Tolerated"; PolyPhen-2: "Not Available"; Align-GVGD: "Class C0". The glycine amino acid residue is found in multiple mammalian species, which suggests that this missense change does not adversely affect protein function. In summary, the available evidence is currently insufficient to determine the role of this variant in disease. Therefore, it has been classified as a Variant of Uncertain Significance.

NM_005918.4(MDH2):c.46A>G (p.Ser16Gly)

Gene: MDH2 (malate dehydrogenase 2; plus strand). Cytogenetic location: 7q11.23.
Variant type: single nucleotide variant.
Coding change: c.46A>G on transcript NM_005918.4 (MANE Select); coding-DNA position 46, A replaced by G.
Protein change: p.Ser16Gly; replaces serine 16 with glycine.
Molecular consequence: missense variant. On other transcripts: 5 prime UTR variant (1), non-coding transcript variant (1).
Genome position (GRCh38, 1-based): chr7:76,048,206, A>G. VCF-style: chr7-76048206-A-G. GRCh37 (hg19) VCF-style: chr7-75677524-A-G.
Other names: c.46A>G, p.Ser16Gly (NM_001282403.2); c.-107A>G (NM_001282404.2); short protein forms S16G.
Identifiers: ClinVar variation 1494675 (VCV001494675.6), dbSNP rs781786949, ClinGen allele CA4305390.
Genomic context (GRCh38, chr7:76,048,206, plus strand): 5'-CCTCCCGCTCCAGCCATGCTCTCCGCCCTCGCCCGGCCTGCCAGCGCTGCTCTCCGCCGC[A>G]GCTTCAGCACCTCGGCCCAGGTAGGCCAGACGAGGGGCGGCCTGCAGGCGGAGGCCCCCC-3'
Protein context (NP_005909.2, residues 6-26): ARPASAALRR[Ser16Gly]FSTSAQNNAK